The following is an entry in ClinVar:

NM_001081.4(CUBN):c.10339G>T (p.Glu3447Ter)

Gene: CUBN (cubilin; minus strand). Cytogenetic location: 10p13.
Variant type: single nucleotide variant.
Coding change: c.10339G>T on transcript NM_001081.4 (MANE Select); coding-DNA position 10339, G replaced by T.
Protein change: p.Glu3447Ter; replaces glutamic acid 3447 with a stop codon.
Molecular consequence: nonsense.
Genome position (GRCh38, 1-based): chr10:16,835,037, C>A on the plus strand (G>T on the coding strand, the complement: CUBN is on the minus strand). VCF-style: chr10-16835037-C-A. GRCh37 (hg19) VCF-style: chr10-16877036-C-A.
Other names: short protein forms E3447*.
Identifiers: ClinVar variation 3774533 (VCV003774533.1).

ClinVar aggregate classification (germline): Likely pathogenic (1 of 4 stars; one submission).

Conditions:
Imerslund-Grasbeck syndrome type 1 (IGS1). Also called: Imerslund-Gräsbeck syndrome 1; Megaloblastic anemia 1, Finnish type; MEGALOBLASTIC ANEMIA, 1. Identifiers: MedGen C4016819, MONDO:0100156, OMIM 261100.

gnomAD v4.1: 3 of 1,614,062 alleles (0.00019%); highest among the groups gnomAD compares: South Asian, 0.0011%; no homozygotes.

Submission:

Diagnostics Services (NGS), CSIR - Centre For Cellular And Molecular Biology
Classification: Likely pathogenic for Imerslund-Grasbeck syndrome type 1. Last evaluated: 2025-03-13. Review status: criteria provided, single submitter. Criteria: ACMG Guidelines, 2015. Collection method: clinical testing. Allele origin: germline. Affected: yes. Observed: 1 variant allele, 1 homozygote.
Comment: The c.10339G>T variant is not present in 1000 Genomes, EVS, gnomAD, Indian Exome Database or our internal database. This variant has neither been published in the literature for CUBN-related conditions nor reported to clinical databases like OMIM, HGMD or ClinVar, in any affected individuals. In-silico pathogenicity prediction programs like MutationTaster2021, CADD, Franklin, Varsome, InterVar etc predicted this variant to be likely deleterious however these predictions were not confirmed by any published functional studies. This variant creates a premature translational stop signal at the 3447th amino acid position of the wild-type transcript that may either result in translation of a truncated protein or cause nonsense mediated decay of the mRNA.